The following is an entry in ClinVar:

ClinVar aggregate classification (germline): Conflicting classifications of pathogenicity. Review status: criteria provided, conflicting classifications (1 of 4 stars). 22 submissions from 18 submitters: Uncertain significance (3); Benign (9); Likely benign (6). 4 of the submissions do not count toward it. Last evaluated 2026-08-01.

Conditions:
Dilated cardiomyopathy 1G (CMD1G). Identifiers: Orphanet 154, MedGen C1858763, MONDO:0011400, OMIM 604145.
Autosomal recessive limb-girdle muscular dystrophy type 2J (LGMDR10). Also called: MUSCULAR DYSTROPHY, LIMB-GIRDLE, AUTOSOMAL RECESSIVE 10; Limb-girdle muscular dystrophy, type 2J. Identifiers: Orphanet 140922, MedGen C1837342, MONDO:0012127, OMIM 608807.
TTN-related disorder. Also called: TTN-related disorders; TTN-related condition; TTN-related disease.
Cardiovascular phenotype. Identifiers: MedGen CN230736.
Cardiomyopathy (CMYO). Also called: Cardiomyopathies. Identifiers: Orphanet 167848, MedGen C0878544, MONDO:0004994, HP:0001638. Inheritance: Various modes of inheritance.
Early-onset myopathy with fatal cardiomyopathy (CMYO5). Also called: CONGENITAL MYOPATHY 5 WITH CARDIOMYOPATHY; Salih Myopathy. Identifiers: Orphanet 289377, MedGen C2673677, MONDO:0012714, OMIM 611705. Disease mechanism: loss of function.
Myopathy, myofibrillar, 9, with early respiratory failure (MFM9). Also called: Hereditary myopathy with early respiratory failure; EDSTROM MYOPATHY; Myopathy, distal, with early respiratory failure, autosomal dominant; MYOPATHY, PROXIMAL, WITH EARLY RESPIRATORY MUSCLE INVOLVEMENT. Identifiers: Orphanet 178464, Orphanet 34521, MedGen C1863599, MONDO:0011362, OMIM 603689.
Tibial muscular dystrophy (TMD). Also called: Udd Distal Myopathy – Tibial Muscular Dystrophy; Tibial muscular dystrophy, tardive; UDD MYOPATHY. Identifiers: Orphanet 609, MedGen C1838244, MONDO:0010870, OMIM 600334.

Allele frequency attached by ClinVar (database versions not stated): gnomAD 0.00035 and 0.00030; gnomAD exomes 0.00047 and 0.00057; ESP Exome Variant Server 0.00033; TOPMed 0.00039; ExAC 0.00057.
gnomAD v4.1: 764 of 1,613,024 alleles (0.047%); highest among the groups gnomAD compares: Middle Eastern, 3.3%; 20 homozygotes.

Submissions (22):

CeGaT Center for Human Genetics Tuebingen
Classification: Likely benign. Last evaluated: 2026-08-01. Review status: criteria provided, single submitter. Criteria: CeGaT Center For Human Genetics Tuebingen Variant Classification Criteria Version 2. Collection method: clinical testing. Allele origin: germline. Affected: yes. Observed: 30 variant alleles.
Comment: TTN: BP4, BP7

Labcorp Genetics (formerly Invitae), Labcorp
Classification: Benign for Dilated cardiomyopathy 1G; Autosomal recessive limb-girdle muscular dystrophy type 2J. Last evaluated: 2026-01-26. Review status: criteria provided, single submitter. Criteria: Invitae Variant Classification Sherloc (09022015). Collection method: clinical testing. Allele origin: germline.

PreventionGenetics, part of Exact Sciences
Classification: Benign for TTN-related condition. Last evaluated: 2025-04-16. Review status: criteria provided, single submitter. Criteria: ACMG Guidelines, 2015. Collection method: clinical testing. Allele origin: germline.
Comment: This variant is classified as benign based on ACMG/AMP sequence variant interpretation guidelines (Richards et al. 2015 PMID: 25741868, with internal and published modifications).

Molecular Diagnostic Laboratory for Inherited Cardiovascular Disease, Montreal Heart Institute
Classification: Likely benign. Last evaluated: 2025-04-09. Review status: criteria provided, single submitter. Criteria: ACMG Guidelines, 2015. Collection method: clinical testing. Allele origin: germline. Affected: no.

Athena Diagnostics
Classification: Benign. Last evaluated: 2024-11-26. Review status: criteria provided, single submitter. Criteria: Athena Diagnostics Criteria. Collection method: clinical testing. Allele origin: unknown.

Blueprint Genetics
Classification: Likely benign. Last evaluated: 2024-11-14. Review status: criteria provided, single submitter. Criteria: ACMG Guidelines, 2015. Collection method: clinical testing. Allele origin: germline.

Women's Health and Genetics/Laboratory Corporation of America, LabCorp
Classification: Benign. Last evaluated: 2021-09-22. Review status: criteria provided, single submitter. Criteria: LabCorp Variant Classification Summary - May 2015. Collection method: clinical testing. Allele origin: germline.

CHEO Genetics Diagnostic Laboratory, Children's Hospital of Eastern Ontario
Classification: Benign for Cardiomyopathy. Last evaluated: 2018-03-28. Review status: criteria provided, single submitter. Criteria: ACMG Guidelines, 2015. Collection method: clinical testing. Allele origin: germline.

Illumina Laboratory Services, Illumina
Classification: Uncertain significance for Early-onset myopathy with fatal cardiomyopathy. Last evaluated: 2018-01-12. Review status: criteria provided, single submitter. Criteria: ICSL Variant Classification Criteria 13 December 2019. Collection method: clinical testing. Allele origin: germline.

Illumina Laboratory Services, Illumina
Classification: Uncertain significance for Dilated cardiomyopathy 1G. Last evaluated: 2018-01-12. Review status: criteria provided, single submitter. Criteria: ICSL Variant Classification Criteria 13 December 2019. Collection method: clinical testing. Allele origin: germline.

Illumina Laboratory Services, Illumina
Classification: Benign for Tibial muscular dystrophy. Last evaluated: 2018-01-12. Review status: criteria provided, single submitter. Criteria: ICSL Variant Classification Criteria 13 December 2019. Collection method: clinical testing. Allele origin: germline.
Comment: This variant was observed in the ICSL laboratory as part of a predisposition screen in an ostensibly healthy population. It had not been previously curated by ICSL or reported in the Human Gene Mutation Database (HGMD: prior to June 1st, 2018), and was therefore a candidate for classification through an automated scoring system. Utilizing variant allele frequency, disease prevalence and penetrance estimates, and inheritance mode, an automated score was calculated to assess if this variant is too frequent to cause the disease. Based on the score and internal cut-off values, a variant classified as benign is not then subjected to further curation. The score for this variant resulted in a classification of benign for this disease.

Illumina Laboratory Services, Illumina
Classification: Uncertain significance for Autosomal recessive limb-girdle muscular dystrophy type 2J. Last evaluated: 2018-01-12. Review status: criteria provided, single submitter. Criteria: ICSL Variant Classification Criteria 13 December 2019. Collection method: clinical testing. Allele origin: germline.

Illumina Laboratory Services, Illumina
Classification: Benign for Myopathy, myofibrillar, 9, with early respiratory failure. Last evaluated: 2018-01-12. Review status: criteria provided, single submitter. Criteria: ICSL Variant Classification Criteria 13 December 2019. Collection method: clinical testing. Allele origin: germline.
Comment: the same text as in the submission from Illumina Laboratory Services, Illumina above.

Laboratory for Molecular Medicine, Mass General Brigham Personalized Medicine
Classification: Likely benign. Last evaluated: 2016-11-15. Review status: criteria provided, single submitter. Criteria: LMM Criteria. Collection method: clinical testing. Allele origin: germline. Observed: 6 variant alleles.
Comment: p.His29053His in exon 291 of TTN: This variant is not expected to have clinical significance because it does not alter an amino acid residue and is not located within the splice consensus sequence. It has been identified in 46/65820 Europea n chromosomes by the Exome Aggregation Consortium (ExAC; dbSNP rs373871146).

Eurofins Ntd Llc (ga)
Classification: Likely benign. Last evaluated: 2016-06-14. Review status: criteria provided, single submitter. Criteria: EGL Classification Definitions 2015. Collection method: clinical testing. Allele origin: germline. Observed: 4 variant alleles, 4 heterozygotes.

Mayo Clinic Laboratories, Mayo Clinic
Classification: Benign. Last evaluated: 2016-02-04. Review status: criteria provided, single submitter. Criteria: ACMG Guidelines, 2015. Collection method: clinical testing. Allele origin: germline. Observed: 14 variant alleles.

Ambry Genetics
Classification: Likely benign for Cardiovascular phenotype. Last evaluated: 2015-11-19. Review status: criteria provided, single submitter. Criteria: Ambry Variant Classification Scheme 2023. Collection method: clinical testing. Allele origin: germline.

GeneDx
Classification: Benign. Last evaluated: 2014-07-16. Review status: criteria provided, single submitter. Criteria: GeneDx Variant Classification (06012015). Collection method: clinical testing. Allele origin: germline. Affected: yes.
Comment: This variant is considered likely benign or benign based on one or more of the following criteria: it is a conservative change, it occurs at a poorly conserved position in the protein, it is predicted to be benign by multiple in silico algorithms, and/or has population frequency not consistent with disease.

Clinical Genetics DNA and cytogenetics Diagnostics Lab, Erasmus MC, Erasmus Medical Center
Classification: Likely benign. Review status: no assertion criteria provided. Collection method: clinical testing. Allele origin: germline. Affected: yes. Study: VKGL Data-share Consensus. Not counted in ClinVar's aggregate classification.

Clinical Genetics, Academic Medical Center
Classification: Benign. Review status: no assertion criteria provided. Collection method: clinical testing. Allele origin: germline. Affected: yes. Study: VKGL Data-share Consensus. Not counted in ClinVar's aggregate classification.

Diagnostic Laboratory, Department of Genetics, University Medical Center Groningen
Classification: Likely benign. Review status: no assertion criteria provided. Collection method: clinical testing. Allele origin: germline. Affected: yes. Study: VKGL Data-share Consensus. Not counted in ClinVar's aggregate classification.

Genome Diagnostics Laboratory, University Medical Center Utrecht
Classification: Likely benign. Review status: no assertion criteria provided. Collection method: clinical testing. Allele origin: germline. Affected: yes. Study: VKGL Data-share Consensus. Not counted in ClinVar's aggregate classification.

NM_001267550.2(TTN):c.94863C>T (p.His31621=)

Genes: TTN (titin; minus strand), TTN-AS1 (TTN antisense RNA 1; plus strand). Cytogenetic location: 2q31.2.
Variant type: single nucleotide variant.
Coding change: c.94863C>T on transcript NM_001267550.2 (MANE Select); coding-DNA position 94863, C replaced by T.
Protein change: p.His31621=; no amino-acid change (histidine 31621 retained).
Molecular consequence: synonymous variant.
Genome position (GRCh38, 1-based): chr2:178,546,468, G>A on the plus strand (C>T on the coding strand, the complement: TTN is on the minus strand). VCF-style: chr2-178546468-G-A. GRCh37 (hg19) VCF-style: chr2-179411195-G-A.
Other names: p.H29980H:CAC>CAT; p.His29980=; c.89940C>T, p.His29980= (NM_001256850.1); c.67668C>T, p.His22556= (NM_003319.4); c.87159C>T, p.His29053= (NM_133378.4); c.68043C>T, p.His22681= (NM_133432.3); c.68244C>T, p.His22748= (NM_133437.4).
Identifiers: ClinVar variation 165715 (VCV000165715.75), dbSNP rs373871146, ClinGen allele CA295527.